The following is an entry in ClinVar:

ClinVar aggregate classification (germline): Uncertain significance (1 of 4 stars; one submission).

Submission:

Laboratory for Molecular Medicine, Mass General Brigham Personalized Medicine
Classification: Uncertain significance. Last evaluated: 2019-02-12. Review status: criteria provided, single submitter. Criteria: LMM Criteria. Collection method: clinical testing. Allele origin: germline. Observed: 1 variant allele.
Comment: The p.Trp44Arg variant in TBC1D24 has not been previously reported in individuals with hearing loss or DOOR syndrome and was absent from large population studies. Computational prediction tools and conservation analysis suggest that the variant may impact the protein, though this information is not predictive enough to determine pathogenicity. In summary, the clinical significance of the p.Trp44Arg variant is uncertain. ACMG/AMP Criteria applied: PP3, PM2.

NM_001199107.2(TBC1D24):c.130T>C (p.Trp44Arg)

Gene: TBC1D24 (TBC1 domain family member 24; plus strand). Cytogenetic location: 16p13.3.
Variant type: single nucleotide variant.
Coding change: c.130T>C on transcript NM_001199107.2 (MANE Select); coding-DNA position 130, T replaced by C.
Protein change: p.Trp44Arg; replaces tryptophan 44 with arginine.
Molecular consequence: missense variant.
Genome position (GRCh38, 1-based): chr16:2,496,278, T>C. VCF-style: chr16-2496278-T-C. GRCh37 (hg19) VCF-style: chr16-2546279-T-C.
Other names: c.130T>C, p.Trp44Arg (NM_020705.3); short protein forms W44R.
Identifiers: ClinVar variation 666926 (VCV000666926.5), dbSNP rs1596967502, ClinGen allele CA394374649.